The following is an entry in ClinVar:

NM_006947.4(SRP72):c.1536G>C (p.Met512Ile)

Gene: SRP72 (signal recognition particle 72; plus strand). Cytogenetic location: 4q12.
Variant type: single nucleotide variant.
Coding change: c.1536G>C on transcript NM_006947.4 (MANE Select); coding-DNA position 1536, G replaced by C.
Protein change: p.Met512Ile; replaces methionine 512 with isoleucine.
Molecular consequence: missense variant. On other transcripts: non-coding transcript variant (1).
Genome position (GRCh38, 1-based): chr4:56,491,464, G>C. VCF-style: chr4-56491464-G-C. GRCh37 (hg19) VCF-style: chr4-57357630-G-C.
Other names: c.1353G>C, p.Met451Ile (NM_001267722.2); c.1536G>C (NM_006947.3); short protein forms M451I, M512I.
Identifiers: ClinVar variation 1377146 (VCV001377146.10), dbSNP rs150748877, ClinGen allele CA2931401.

ClinVar aggregate classification (germline): Uncertain significance. Review status: criteria provided, multiple submitters, no conflicts (2 of 4 stars). 3 submissions from 3 submitters: Uncertain significance (3). Last evaluated 2025-08-11.

Allele frequency attached by ClinVar (database versions not stated): gnomAD exomes below 0.00001 and 0.00002; gnomAD 0.00001 and 0.00002; TOPMed 0.00001; 1000 Genomes Project 0.00020; 1000 Genomes Project 30x 0.00031; ExAC 0.00002.
gnomAD v4.1: 10 of 1,613,914 alleles (0.00062%); highest among the groups gnomAD compares: East Asian, 0.011%; no homozygotes.

Submissions (3):

Labcorp Genetics (formerly Invitae), Labcorp
Classification: Uncertain significance. Last evaluated: 2025-08-11. Review status: criteria provided, single submitter. Criteria: Invitae Variant Classification Sherloc (09022015). Collection method: clinical testing. Allele origin: germline.
Comment: This sequence change replaces methionine, which is neutral and non-polar, with isoleucine, which is neutral and non-polar, at codon 512 of the SRP72 protein (p.Met512Ile). This variant is present in population databases (rs150748877, gnomAD 0.02%). This variant has not been reported in the literature in individuals affected with SRP72-related conditions. ClinVar contains an entry for this variant (Variation ID: 1377146). Invitae Evidence Modeling of protein sequence and biophysical properties (such as structural, functional, and spatial information, amino acid conservation, physicochemical variation, residue mobility, and thermodynamic stability) indicates that this missense variant is not expected to disrupt SRP72 protein function with a negative predictive value of 80%. In summary, the available evidence is currently insufficient to determine the role of this variant in disease. Therefore, it has been classified as a Variant of Uncertain Significance.

Ambry Genetics
Classification: Uncertain significance. Last evaluated: 2024-12-08. Review status: criteria provided, single submitter. Criteria: Ambry Variant Classification Scheme 2023. Collection method: clinical testing. Allele origin: germline.
Comment: The p.M512I variant (also known as c.1536G>C), located in coding exon 16 of the SRP72 gene, results from a G to C substitution at nucleotide position 1536. The methionine at codon 512 is replaced by isoleucine, an amino acid with highly similar properties. This amino acid position is conserved. In addition, the in silico prediction for this alteration is inconclusive. Based on the available evidence, the clinical significance of this variant remains unclear.

GeneDx
Classification: Uncertain significance. Last evaluated: 2024-09-11. Review status: criteria provided, single submitter. Criteria: GeneDx Variant Classification Process June 2021. Collection method: clinical testing. Allele origin: germline. Affected: yes.
Comment: Not observed at significant frequency in large population cohorts (gnomAD); In silico analysis indicates that this missense variant does not alter protein structure/function; Has not been previously published as pathogenic or benign to our knowledge